The following is an entry in ClinVar:

ClinVar aggregate classification (germline): Benign/Likely benign. Review status: criteria provided, multiple submitters, no conflicts (2 of 4 stars). 8 submissions from 8 submitters: Benign (1); Likely benign (6). 1 of the submissions does not count toward it. Last evaluated 2026-01-20.

Conditions:
MET-related disorder. Also called: MET-related condition.
Renal cell carcinoma. Identifiers: Orphanet 217071, MedGen C0007134, MeSH D002292, MONDO:0005086, HP:0005584.
Hereditary cancer-predisposing syndrome. Also called: Tumor predisposition; Hereditary neoplastic syndrome; Neoplastic Syndromes, Hereditary; Hereditary Cancer Syndrome. Identifiers: Orphanet 140162, MedGen C0027672, MeSH D009386, MONDO:0015356.
Papillary renal cell carcinoma type 1 (RCCP1). Also called: RENAL CELL CARCINOMA, PAPILLARY, 1, SOMATIC; Renal adenocarcinoma; Renal cell carcinoma 1; Renal cell carcinoma, somatic. Identifiers: Orphanet 47044, MedGen C1336839, OMIM 605074, HP:0011797.

Allele frequency attached by ClinVar (database versions not stated): ExAC 0.00004; gnomAD exomes 0.00004 and 0.00011; gnomAD 0.00005 and 0.00006; TOPMed 0.00008; ESP Exome Variant Server 0.00016.
gnomAD v4.1: 170 of 1,614,116 alleles (0.011%); highest among the groups gnomAD compares: Non-Finnish European, 0.014%; no homozygotes.

Submissions (8):

Labcorp Genetics (formerly Invitae), Labcorp
Classification: Likely benign for Renal cell carcinoma. Last evaluated: 2026-01-20. Review status: criteria provided, single submitter. Criteria: Invitae Variant Classification Sherloc (09022015). Collection method: clinical testing. Allele origin: germline.

Center for Genomic Medicine, Rigshospitalet, Copenhagen University Hospital
Classification: Likely benign. Last evaluated: 2025-03-04. Review status: criteria provided, single submitter. Criteria: ACMG Guidelines, 2015. Collection method: clinical testing. Allele origin: germline.

Myriad Genetics, Inc.
Classification: Benign for Papillary renal cell carcinoma type 1. Last evaluated: 2024-11-13. Review status: criteria provided, single submitter. Criteria: Myriad Autosomal Dominant, Autosomal Recessive and X-Linked Classification Criteria (2023). Collection method: clinical testing. Allele origin: unknown.
Comment: This variant is considered benign. This variant is a silent/synonymous amino acid change and it is not expected to impact splicing.

Blueprint Genetics
Classification: Likely benign. Last evaluated: 2024-08-28. Review status: criteria provided, single submitter. Criteria: ACMG Guidelines, 2015. Collection method: clinical testing. Allele origin: germline.

Sema4
Classification: Likely benign for Hereditary cancer-predisposing syndrome. Last evaluated: 2021-01-04. Review status: criteria provided, single submitter. Criteria: Sema4 Curation Guidelines. Collection method: curation. Allele origin: germline.

GeneDx
Classification: Likely benign. Last evaluated: 2020-09-11. Review status: criteria provided, single submitter. Criteria: GeneDx Variant Classification Process June 2021. Collection method: clinical testing. Allele origin: germline. Affected: yes.

Ambry Genetics
Classification: Likely benign for Hereditary cancer-predisposing syndrome. Last evaluated: 2015-01-15. Review status: criteria provided, single submitter. Criteria: Ambry Variant Classification Scheme 2023. Collection method: clinical testing. Allele origin: germline.

PreventionGenetics, part of Exact Sciences
Classification: Likely benign for MET-related condition. Last evaluated: 2024-09-10. Review status: no assertion criteria provided. Collection method: clinical testing. Allele origin: germline. Not counted in ClinVar's aggregate classification.
Comment: This variant is classified as likely benign based on ACMG/AMP sequence variant interpretation guidelines (Richards et al. 2015 PMID: 25741868, with internal and published modifications).

NM_000245.4(MET):c.3168T>C (p.Ser1056=)

Gene: MET (MET proto-oncogene, receptor tyrosine kinase; plus strand). Cytogenetic location: 7q31.2.
Variant type: single nucleotide variant.
Coding change: c.3168T>C on transcript NM_000245.4 (MANE Select); coding-DNA position 3168, T replaced by C.
Protein change: p.Ser1056=; no amino-acid change (serine 1056 retained).
Molecular consequence: synonymous variant.
Genome position (GRCh38, 1-based): chr7:116,775,020, T>C. VCF-style: chr7-116775020-T-C. GRCh37 (hg19) VCF-style: chr7-116415074-T-C.
Other names: c.3222T>C, p.Ser1074= (NM_001127500.3); c.1878T>C, p.Ser626= (NM_001324402.2); c.3222T>C (NM_001127500.2, LRG_662t1).
Identifiers: ClinVar variation 132742 (VCV000132742.27), dbSNP rs376069508, ClinGen allele CA332074.
Genomic context (GRCh38, chr7:116,775,020, plus strand): 5'-TAGTGGGGACTCTGATATATCCAGTCCATTACTGCAAAATACTGTCCACATTGACCTCAG[T>C]GCTCTAAATCCAGAGCTGGTCCAGGCAGTGCAGCATGTAGTGATTGGGCCCAGTAGCCTG-3'
Protein context (NP_000236.2, residues 1046-1066): LLQNTVHIDL[Ser1056=]ALNPELVQAV